The following is an entry in ClinVar:

ClinVar aggregate classification (germline): Uncertain significance (1 of 4 stars; one submission).

Conditions:
Neurofibromatosis, type 1 (NF1). Also called: VON RECKLINGHAUSEN DISEASE; Peripheral type neurofibromatosis; NEUROFIBROMATOSIS, TYPE I, SOMATIC; Neurofibromatosis, type I. Identifiers: Orphanet 636, MedGen C0027831, MONDO:0018975, OMIM 162200. Disease mechanism: loss of function.

Submission:

Labcorp Genetics (formerly Invitae), Labcorp
Classification: Uncertain significance for Neurofibromatosis, type 1. Last evaluated: 2025-01-29. Review status: criteria provided, single submitter. Criteria: Invitae Variant Classification Sherloc (09022015). Collection method: clinical testing. Allele origin: germline.
Comment: This sequence change falls in intron 34 of the NF1 gene. It does not directly change the encoded amino acid sequence of the NF1 protein. This variant is not present in population databases (gnomAD no frequency). This variant has not been reported in the literature in individuals affected with NF1-related conditions. Algorithms developed to predict the effect of sequence changes on RNA splicing suggest that this variant may disrupt the consensus splice site. In summary, the available evidence is currently insufficient to determine the role of this variant in disease. Therefore, it has been classified as a Variant of Uncertain Significance.

NM_001042492.3(NF1):c.4725-12T>G

Gene: NF1 (neurofibromin 1; plus strand). Cytogenetic location: 17q11.2.
Variant type: single nucleotide variant.
Coding change: c.4725-12T>G on transcript NM_001042492.3 (MANE Select); 12 bases into the intron before coding-DNA position 4725, T replaced by G.
Molecular consequence: intron variant.
Genome position (GRCh38, 1-based): chr17:31,265,217, T>G. VCF-style: chr17-31265217-T-G. GRCh37 (hg19) VCF-style: chr17-29592235-T-G.
Other names: c.4662-12T>G (NM_000267.4).
Identifiers: ClinVar variation 4711992 (VCV004711992.1).